The following is an entry in ClinVar:

NM_006978.3(RNF113A):c.247T>A (p.Leu83Met)

Gene: RNF113A (ring finger protein 113A; minus strand). Cytogenetic location: Xq24.
Variant type: single nucleotide variant.
Coding change: c.247T>A on transcript NM_006978.3 (MANE Select); coding-DNA position 247, T replaced by A.
Protein change: p.Leu83Met; replaces leucine 83 with methionine.
Molecular consequence: missense variant.
Genome position (GRCh38, 1-based): chrX:119,871,367, A>T on the plus strand (T>A on the coding strand, the complement: RNF113A is on the minus strand). VCF-style: chrX-119871367-A-T. GRCh37 (hg19) VCF-style: chrX-119005330-A-T.
Other names: short protein forms L83M.
Identifiers: ClinVar variation 91972 (VCV000091972.2), dbSNP rs386352357, ClinGen allele CA232271.

ClinVar aggregate classification (germline): Uncertain significance (0 of 4 stars; one submission).

Submission:

Richard Lifton Laboratory, Yale University School of Medicine
Classification: Uncertain significance. Review status: no assertion criteria provided. Collection method: not provided. Allele origin: somatic.
Comment: RNF113A
ClinVar note: Converted during submission from unknown to Uncertain significance.